The following is an entry in ClinVar:

NM_001111.5(ADAR):c.2376G>T (p.Leu792Phe)

Gene: ADAR (adenosine deaminase RNA specific; minus strand). Cytogenetic location: 1q21.3.
Variant type: single nucleotide variant.
Coding change: c.2376G>T on transcript NM_001111.5 (MANE Select); coding-DNA position 2376, G replaced by T.
Protein change: p.Leu792Phe; replaces leucine 792 with phenylalanine.
Molecular consequence: missense variant.
Genome position (GRCh38, 1-based): chr1:154,590,304, C>A on the plus strand (G>T on the coding strand, the complement: ADAR is on the minus strand). VCF-style: chr1-154590304-C-A. GRCh37 (hg19) VCF-style: chr1-154562780-C-A.
Other names: c.1491G>T, p.Leu497Phe (NM_001025107.3, NM_001193495.2, NM_001365046.1 and 3 more transcripts); c.2403G>T, p.Leu801Phe (NM_001365045.1); c.2376G>T, p.Leu792Phe (NM_015840.4); c.2319G>T, p.Leu773Phe (NM_015841.4); c.2376G>T (NM_001111.4); short protein forms L792F, L497F, L773F, L801F.
Identifiers: ClinVar variation 2924403 (VCV002924403.4), dbSNP rs1303252062, ClinGen allele CA342637388.

ClinVar aggregate classification (germline): Uncertain significance. Review status: criteria provided, multiple submitters, no conflicts (2 of 4 stars). 2 submissions from 2 submitters: Uncertain significance (2). Last evaluated 2025-12-24.

Conditions:
Inborn genetic diseases. Identifiers: MedGen C0950123, MeSH D030342.
Symmetrical dyschromatosis of extremities (DSH). Also called: RETICULATE ACROPIGMENTATION OF DOHI; SYMMETRIC DYSCHROMATOSIS OF THE EXTREMITIES; Dyschromatosis symmetrica hereditaria; DYSCHROMATOSIS SYMMETRICA HEREDITARIA 1. Identifiers: Orphanet 41, MedGen C0406775, MONDO:0007483, OMIM 127400.
Aicardi-Goutieres syndrome 6 (AGS6). Identifiers: Orphanet 51, MedGen C3539013, MONDO:0014007, OMIM 615010.

Allele frequency attached by ClinVar (database versions not stated): TOPMed below 0.00001.

Submissions (2):

Ambry Genetics
Classification: Uncertain significance for Inborn genetic diseases. Last evaluated: 2025-12-24. Review status: criteria provided, single submitter. Criteria: Ambry Variant Classification Scheme 2023. Collection method: clinical testing. Allele origin: germline.

Labcorp Genetics (formerly Invitae), Labcorp
Classification: Uncertain significance for Aicardi-Goutieres syndrome 6; Symmetrical dyschromatosis of extremities. Last evaluated: 2025-07-27. Review status: criteria provided, single submitter. Criteria: Invitae Variant Classification Sherloc (09022015). Collection method: clinical testing. Allele origin: germline.
Comment: This sequence change replaces leucine, which is neutral and non-polar, with phenylalanine, which is neutral and non-polar, at codon 792 of the ADAR protein (p.Leu792Phe). This variant is not present in population databases (gnomAD no frequency). This variant has not been reported in the literature in individuals affected with ADAR-related conditions. ClinVar contains an entry for this variant (Variation ID: 2924403). Invitae Evidence Modeling of protein sequence and biophysical properties (such as structural, functional, and spatial information, amino acid conservation, physicochemical variation, residue mobility, and thermodynamic stability) has been performed for this missense variant. However, the output from this modeling did not meet the statistical confidence thresholds required to predict the impact of this variant on ADAR protein function. In summary, the available evidence is currently insufficient to determine the role of this variant in disease. Therefore, it has been classified as a Variant of Uncertain Significance.